The following is an entry in ClinVar:

ClinVar aggregate classification (germline): Uncertain significance. Review status: criteria provided, multiple submitters, no conflicts (2 of 4 stars). 2 submissions from 2 submitters: Uncertain significance (2). Last evaluated 2026-03-01.

Conditions:
Bethlem myopathy 1A. Also called: Bethlem myopathy 1; Bethlem Muscular Dystrophy; MYOPATHY, BENIGN CONGENITAL, WITH CONTRACTURES. Identifiers: Orphanet 610, MedGen CN029274, MONDO:0024530, OMIM 158810.

Allele frequency attached by ClinVar (database versions not stated): TOPMed below 0.00001.

Submissions (2):

CeGaT Center for Human Genetics Tuebingen
Classification: Uncertain significance. Last evaluated: 2026-03-01. Review status: criteria provided, single submitter. Criteria: CeGaT Center For Human Genetics Tuebingen Variant Classification Criteria Version 2. Collection method: clinical testing. Allele origin: germline. Affected: yes. Observed: 1 variant allele.
Comment: COL6A3: PM2, PP3

Labcorp Genetics (formerly Invitae), Labcorp
Classification: Uncertain significance for Bethlem myopathy 1A. Last evaluated: 2022-06-27. Review status: criteria provided, single submitter. Criteria: Invitae Variant Classification Sherloc (09022015). Collection method: clinical testing. Allele origin: germline.
Comment: In summary, the available evidence is currently insufficient to determine the role of this variant in disease. Therefore, it has been classified as a Variant of Uncertain Significance. Variants that disrupt the consensus splice site are a relatively common cause of aberrant splicing (PMID: 17576681, 9536098). Algorithms developed to predict the effect of sequence changes on RNA splicing suggest that this variant may create or strengthen a splice site. ClinVar contains an entry for this variant (Variation ID: 1040808). This variant has not been reported in the literature in individuals affected with COL6A3-related conditions. This variant is not present in population databases (gnomAD no frequency). This sequence change falls in intron 14 of the COL6A3 gene. It does not directly change the encoded amino acid sequence of the COL6A3 protein. It affects a nucleotide within the consensus splice site.

Literature cited by the submitters: PubMed 17576681 (cited by Labcorp Genetics (formerly Invitae), Labcorp); PubMed 9536098 (cited by Labcorp Genetics (formerly Invitae), Labcorp).

NM_004369.4(COL6A3):c.6063+5dup

Gene: COL6A3 (collagen type VI alpha 3 chain; minus strand). Cytogenetic location: 2q37.3.
Variant type: Duplication.
Coding change: c.6063+5dup on transcript NM_004369.4 (MANE Select); 5 bases into the intron after coding-DNA position 6063, one base duplicated (G; older notation c.6063+5dupG).
Molecular consequence: intron variant.
Genome position (GRCh38, 1-based): chr2:237,363,248, C duplicated on the plus strand (G on the coding strand, the reverse complement: COL6A3 is on the minus strand). VCF-style (leftmost placement, unchanged base first): chr2-237363247-A-AC. GRCh37 (hg19) VCF-style: chr2-238271890-A-AC.
Other names: c.4242+5dup (NM_057166.5); c.5445+5dup (NM_057167.4).
Identifiers: ClinVar variation 1040808 (VCV001040808.13), dbSNP rs2077478134, ClinGen allele CA1337619218.
Genomic context (GRCh38, chr2:237,363,247, plus strand): 5'-CTCTTGAAATGCCAAAAGGTGTGGTATCTACACTGGTCTGTGTATAAAGACATAAAAAAA[A>AC]CTCACAAGCTGCTCCGCTAGTTCATAATCCAAGTCCAGCAAGTTAAGCCTCAGGGGCCTG-3'